The following is an entry in ClinVar:

ClinVar aggregate classification (germline): Likely benign (0 of 4 stars; one submission).

Conditions:
ODAD2-related disorder. Also called: ODAD2-related condition.

Submission:

PreventionGenetics, part of Exact Sciences
Classification: Likely benign for ODAD2-related condition. Last evaluated: 2019-03-20. Review status: no assertion criteria provided. Collection method: clinical testing. Allele origin: germline.
Comment: This variant is classified as likely benign based on ACMG/AMP sequence variant interpretation guidelines (Richards et al. 2015 PMID: 25741868, with internal and published modifications).

NM_018076.5(ODAD2):c.939A>G (p.Gly313=)

Gene: ODAD2 (outer dynein arm docking complex subunit 2; minus strand). Cytogenetic location: 10p12.1.
Variant type: single nucleotide variant.
Coding change: c.939A>G on transcript NM_018076.5 (MANE Select); coding-DNA position 939, A replaced by G.
Protein change: p.Gly313=; no amino-acid change (glycine 313 retained).
Molecular consequence: synonymous variant. On other transcripts: intron variant (1).
Genome position (GRCh38, 1-based): chr10:27,971,311, T>C on the plus strand (A>G on the coding strand, the complement: ODAD2 is on the minus strand). VCF-style: chr10-27971311-T-C. GRCh37 (hg19) VCF-style: chr10-28260240-T-C.
Other names: c.939A>G, p.Gly313= (NM_001290020.2); c.15A>G, p.Gly5= (NM_001312689.2); c.-187-9596A>G (NM_001290021.2).
Identifiers: ClinVar variation 3058580 (VCV003058580.2), dbSNP rs766491818, ClinGen allele CA468756252.